The following is an entry in ClinVar:

NM_014915.3(ANKRD26):c.2999A>G (p.Glu1000Gly)

Gene: ANKRD26 (ankyrin repeat domain 26; minus strand). Cytogenetic location: 10p12.1.
Variant type: single nucleotide variant.
Coding change: c.2999A>G on transcript NM_014915.3 (MANE Select); coding-DNA position 2999, A replaced by G.
Protein change: p.Glu1000Gly; replaces glutamic acid 1000 with glycine.
Molecular consequence: missense variant.
Genome position (GRCh38, 1-based): chr10:27,035,451, T>C on the plus strand (A>G on the coding strand, the complement: ANKRD26 is on the minus strand). VCF-style: chr10-27035451-T-C. GRCh37 (hg19) VCF-style: chr10-27324380-T-C.
Other names: c.2996A>G, p.Glu999Gly (NM_001256053.2); short protein forms E1000G, E999G.
Identifiers: ClinVar variation 4859943 (VCV004859943.1).
Genomic context (GRCh38, chr10:27,035,451, plus strand): 5'-CGATCATGTATAGCAGCAGCCAATCTAGAATGGTATGATTCAACTTCTGCTTCCAGTCTT[T>C]CCTTGCTTTGCTTTTCATTCTCCAGTTTAGAATTTAGCATTGCATTCTCAGCTGTCAGAA-3'
Protein context (NP_055730.2, residues 990-1010): SKLENEKQSK[Glu1000Gly]RLEAEVESYH

ClinVar aggregate classification (germline): Uncertain significance (1 of 4 stars; one submission).

Conditions:
Inborn genetic diseases. Identifiers: MedGen C0950123, MeSH D030342.

gnomAD v4.1: 2 of 1,614,052 alleles (0.00012%); highest among the groups gnomAD compares: Non-Finnish European, 0.00017%; no homozygotes.

Submission:

Ambry Genetics
Classification: Uncertain significance for Inborn genetic diseases. Last evaluated: 2026-06-03. Review status: criteria provided, single submitter. Criteria: Ambry Variant Classification Scheme 2023. Collection method: clinical testing. Allele origin: germline.
Comment: The p.E1000G variant (also known as c.2999A>G), located in coding exon 24 of the ANKRD26 gene, results from an A to G substitution at nucleotide position 2999. The glutamic acid at codon 1000 is replaced by glycine, an amino acid with similar properties. This amino acid position is conserved. In addition, this alteration is predicted to be tolerated by in silico analysis. Based on the available evidence, the clinical significance of this variant remains unclear.